The following is an entry in ClinVar:

NM_020719.3(PRR12):c.3408_3409delinsGA (p.Leu1137Met)

Gene: PRR12 (proline rich 12; plus strand). Cytogenetic location: 19q13.33.
Variant type: Indel.
Coding change: c.3408_3409delinsGA on transcript NM_020719.3 (MANE Select); coding-DNA positions 3408 to 3409, AC replaced by GA.
Protein change: p.Leu1137Met; replaces leucine 1137 with methionine.
Molecular consequence: missense variant.
Genome position (GRCh38, 1-based): chr19:49,597,743-49,597,744, AC replaced by GA. VCF-style: chr19-49597743-AC-GA. GRCh37 (hg19) VCF-style: chr19-50101000-AC-GA.
Other names: short protein forms L1137M.
Identifiers: ClinVar variation 4853750 (VCV004853750.1).

ClinVar aggregate classification (germline): Uncertain significance (1 of 4 stars; one submission).

Submission:

Women's Health and Genetics/Laboratory Corporation of America, LabCorp
Classification: Uncertain significance. Last evaluated: 2026-05-29. Review status: criteria provided, single submitter. Criteria: LabCorp Variant Classification Summary - May 2015. Collection method: clinical testing. Allele origin: germline.
Comment: Variant summary: PRR12 c.3408_3409delinsGA (p.Leu1137Met) results in a conservative amino acid change in the encoded protein sequence. Algorithms developed to predict the effect of missense changes on protein structure and function are either unavailable or do not agree on the potential impact of this missense change. The variant was absent in 232368 control chromosomes. The available data on variant occurrences in the general population are insufficient to allow any conclusion about variant significance. To our knowledge, no occurrence of c.3408_3409delinsGA in individuals affected with PRR12-related conditions and no experimental evidence demonstrating its impact on protein function have been reported. No submitters have cited clinical-significance assessments for this variant to ClinVar. Based on the evidence outlined above, the variant was classified as uncertain significance.